The following is an entry in ClinVar:

NM_000237.3(LPL):c.425T>C (p.Met142Thr)

Gene: LPL (lipoprotein lipase; plus strand). Cytogenetic location: 8p21.3.
Variant type: single nucleotide variant.
Coding change: c.425T>C on transcript NM_000237.3 (MANE Select); coding-DNA position 425, T replaced by C.
Protein change: p.Met142Thr; replaces methionine 142 with threonine.
Molecular consequence: missense variant.
Genome position (GRCh38, 1-based): chr8:19,951,944, T>C. VCF-style: chr8-19951944-T-C. GRCh37 (hg19) VCF-style: chr8-19809455-T-C.
Other names: short protein forms M142T.
Identifiers: ClinVar variation 5002513 (VCV005002513.1).

ClinVar aggregate classification (germline): Uncertain significance (1 of 4 stars; one submission).

Conditions:
LPL-related disorder. Also called: LPL-related condition.

Submission:

PreventionGenetics, part of Exact Sciences
Classification: Uncertain significance for LPL-related condition. Last evaluated: 2025-07-09. Review status: criteria provided, single submitter. Criteria: ACMG Guidelines, 2015. Collection method: clinical testing. Allele origin: germline.
Comment: The LPL c.425T>C variant is predicted to result in the amino acid substitution p.Met142Thr. To our knowledge, this variant has not been reported in the literature or in a large population database (gnomAD), indicating this variant is rare. At this time, the clinical significance of this variant is uncertain due to the absence of conclusive functional and genetic evidence.